The following is an entry in ClinVar:

NM_001276270.2(MBD4):c.336-14A>G

Gene: MBD4 (methyl-CpG binding domain 4, DNA glycosylase; minus strand). Cytogenetic location: 3q21.3.
Variant type: single nucleotide variant.
Coding change: c.336-14A>G on transcript NM_001276270.2 (MANE Select); 14 bases into the intron before coding-DNA position 336, A replaced by G.
Molecular consequence: intron variant.
Genome position (GRCh38, 1-based): chr3:129,437,322, T>C on the plus strand (A>G on the coding strand, the complement: MBD4 is on the minus strand). VCF-style: chr3-129437322-T-C. GRCh37 (hg19) VCF-style: chr3-129156165-T-C.
Other names: c.247+486A>G (NM_001276273.2); c.336-14A>G (NM_001276272.2, NM_003925.3, NM_001276271.2).
Identifiers: ClinVar variation 3702283 (VCV003702283.2).

ClinVar aggregate classification (germline): Uncertain significance (1 of 4 stars; one submission).

gnomAD v4.1: 1 of 1,598,272 alleles (0.000063%); no homozygotes.

Submission:

Labcorp Genetics (formerly Invitae), Labcorp
Classification: Uncertain significance. Last evaluated: 2024-09-21. Review status: criteria provided, single submitter. Criteria: Invitae Variant Classification Sherloc (09022015). Collection method: clinical testing. Allele origin: germline.
Comment: This sequence change falls in intron 2 of the MBD4 gene. It does not directly change the encoded amino acid sequence of the MBD4 protein. This variant is present in population databases (rs774299547, gnomAD 0.003%). This variant has not been reported in the literature in individuals affected with MBD4-related conditions. Algorithms developed to predict the effect of sequence changes on RNA splicing suggest that this variant may disrupt the consensus splice site. In summary, the available evidence is currently insufficient to determine the role of this variant in disease. Therefore, it has been classified as a Variant of Uncertain Significance.